The following continues an entry in ClinVar:

NM_000520.6(HEXA):c.1274_1277dup (p.Tyr427fs)

Gene: HEXA. ClinVar aggregate classification (germline): Pathogenic. Pathogenic (38).

Submissions 26 to 43 of 45:

New York Genome Center
Classification: Pathogenic for Tay-Sachs disease. Last evaluated: 2021-06-07. Review status: criteria provided, single submitter. Criteria: NYGC Assertion Criteria 2020. Collection method: clinical testing. Allele origin: inherited. Observed: 1 heterozygote. Study: CSER-NYCKidSeq.

Myriad Genetics, Inc.
Classification: Pathogenic for Tay-Sachs disease. Last evaluated: 2019-10-18. Review status: criteria provided, single submitter. Criteria: Myriad Women's Health Autosomal Recessive and X-Linked Classification Criteria (2019). Collection method: clinical testing. Allele origin: unknown.
Comment: NM_000520.4(HEXA):c.1274_1277dupTATC(Y427Ifs*5) is classified as pathogenic in the context of hexosaminidase A deficiency. Please note that the Y427Ifs*5 variant is associated with Tay-Sachs disease. Sources cited for classification include the following: PMID 2848800, 1307230, 1830584, 11463833, and 14727180. Classification of NM_000520.4(HEXA):c.1274_1277dupTATC(Y427Ifs*5) is based on the following criteria: The variant causes a premature termination codon that is expected to be targeted by nonsense-mediated mRNA decay and is reported in individuals with the relevant phenotype. Please note: this variant was assessed in the context of healthy population screening.

Illumina Laboratory Services, Illumina
Classification: Pathogenic for Tay-Sachs disease. Last evaluated: 2018-08-29. Review status: criteria provided, single submitter. Criteria: ICSL Variant Classification Criteria 09 May 2019. Collection method: clinical testing. Allele origin: germline.
Comment: The HEXA c.1274_1277dupTATC (p.Tyr427IlefsTer5) variant results in a frameshift and is predicted to result in premature termination of the protein. Across a selection of the available literature, the p.Tyr427IlefsTer5 variant has been identified in eight probands in a homozygous state, two probands in a compound heterozygous state and in five probands with unknown zygosity (Myerowitz et al. 1988; McDowell et al. 1992; Jamali et al. 2014; Sheth et al. 2014). The c.1274_1277dupTATC (p.Tyr427IlefsTer5) the most common HEXA variant in the Ashkenazi Jewish population and accounts for approximately 80% of variant HEXA alleles in this population (Kaback et al. 2011). Segregation of the variant with the disease has been shown in at least two families (Myerowitz et al. 1988). The variant was found in 69 of 2238 controls in a heterozygous state and is reported at a frequency of 0.00157 in the European American population of the Exome Sequencing Project. Due to the potential impact of frameshift variants, the p.Tyr427IlefsTer5 variant is classified as pathogenic for hexosaminidase A deficiency. This variant was observed by ICSL as part of a predisposition screen in an ostensibly healthy population.

Institute of Human Genetics Munich, TUM University Hospital
Classification: Pathogenic for Tay-Sachs disease. Last evaluated: 2017-11-08. Review status: criteria provided, single submitter. Criteria: Classification criteria August 2017. Collection method: clinical testing. Allele origin: maternal. Inheritance: Autosomal recessive inheritance. Affected: yes. Observed: 1 compound heterozygote.

Women's Health and Genetics/Laboratory Corporation of America, LabCorp
Classification: Pathogenic for Tay-Sachs disease. Last evaluated: 2017-08-21. Review status: criteria provided, single submitter. Criteria: LabCorp Variant Classification Summary - May 2015. Collection method: clinical testing. Allele origin: germline.
Comment: Variant summary: This c.1274_1277dupTATC (p.Tyr427Ilefs) results in a premature termination codon, predicted to cause a truncated or absent HEXA protein due to nonsense mediated decay, which are commonly known mechanisms for disease. One functional study found less than 5% b-Hexosaminidase activity in leukocytes from a patient with Tay-Sachs disease carrying this variant in compound heterozygosity with p.R510H (not in our internal database)(Udwadia-Hedge_2017). This variant was found in the large control database ExAC in 92/121426 control chromosomes at a frequency of 0.0007577, which does not exceed the maximal expected frequency of a pathogenic allele (0.0013975) in this gene. This variant has been reported as a common pathogenic variant found especially in Ashkenazi Jews population with consistent clinical and genetic data (Myerowitz_1988, Jamali_2014, Zampieri_2012). Multiple clinical labs as well as reputable databases have classified this variant as pathogenic. Taken together, this variant has been classified as pathogenic.

Laboratory for Molecular Medicine, Mass General Brigham Personalized Medicine
Classification: Pathogenic for Tay-Sachs disease. Last evaluated: 2017-05-18. Review status: criteria provided, single submitter. Criteria: LMM Criteria. Collection method: clinical testing. Allele origin: germline. Inheritance: Autosomal recessive inheritance. Observed: 1 variant allele.
Comment: The p.Tyr427IlefsX5 (NM_000520.4 c.1274_1277dupTATC) variant in HEXA is a common pathogenic variant that has been reported in many compound heterozygous and hom ozygous individuals with Tay-Sachs disease (Myerowitz 1988, Montalvo 2005, Scott 2010, Gort 2012, Zampieri 2012, Jamail 2014). It has been reported in ClinVar ( Variation ID#3889) as pathogenic by multiple laboratories. This variant has been identified in 1.3% (135/10152) of Ashkenazi Jewish chromosomes and 0.03% (48/12 6682) of European chromosomes by the Genome Aggregation Database (gnomAD; dbSNP rs387906309). Although this variant has been s een in the general population, its frequency is low enough to be consistent with a recessive carrier frequency. This variant is predicted to cause a frameshift, which alters the protein?s amino acid sequence beginning at position 427 and le ads to a premature termination codon 5 amino acids downstream. This alteration i s then predicted to lead to a truncated or absent protein. Biallelic loss of fun ction in the HEXA gene is an established disease mechanism for Tay-Sachs disease . In summary, this variant meets criteria to be classified as pathogenic for Ta y-Sachs disease in an autosomal recessive manner based upon a predicted null eff ect and its biallelic occurrence in individuals with this disease.

Knight Diagnostic Laboratories, Oregon Health and Sciences University
Classification: Pathogenic for Tay-Sachs disease. Last evaluated: 2015-09-26. Review status: criteria provided, single submitter. Criteria: ACMG Guidelines, 2015. Collection method: clinical testing. Allele origin: germline. Affected: no. Study: CSER-NextGen.
Comment: The c.1274_1277dupTATC, (p.Tyr427Ilefs*5) is a known frameshift variant that has been shown to result in the absence of mRNA. To that effect, the majority of pathogenic variants in the Ashkenazi Jewish TSD are null alleles, making it a common mechanism of disease. Moreover, this 4 basepair insertion variant has been reported in the majority of affected individuals of Ashkenazi Jewish ancestry (Myerowitz and Costigan, 1988), and has not been seen in the normal population databases (1000 Genomes, ExAc, and Exome Sequencing Project [ESP]). In summary, this variant is best classified as a recessive pathogenic variant for Tay-Sachs disease.

Center for Pediatric Genomic Medicine, Children's Mercy Hospital and Clinics
Classification: Pathogenic. Last evaluated: 2015-06-04. Review status: criteria provided, single submitter. Criteria: ACMG Guidelines, 2015. Collection method: clinical testing. Allele origin: germline.

Eurofins Ntd Llc (ga)
Classification: Pathogenic. Last evaluated: 2015-04-13. Review status: criteria provided, single submitter. Criteria: EGL Classification Definitions. Collection method: clinical testing. Allele origin: germline. Observed: 7 variant alleles, 5 heterozygotes, 2 homozygotes.

Genetic Services Laboratory, University of Chicago
Classification: Pathogenic for Tay-Sachs disease. Last evaluated: 2014-08-15. Review status: criteria provided, single submitter. Criteria: ACMG Guidelines, 2015. Collection method: clinical testing. Allele origin: germline. Affected: yes.

HudsonAlpha Institute for Biotechnology
Classification: Pathogenic for Tay-Sachs disease. Last evaluated: 2014-07-10. Review status: criteria provided, single submitter. Criteria: HA_assertions_20150911. Collection method: research. Allele origin: unknown, paternal. Affected: yes. Observed: 3 variant alleles. Study: CSER-HudsonAlpha.

CENTOGENE GmbH and LLC - Guiding Precision Medicine
Classification: Pathogenic for Tay-Sachs disease; Tay-Sachs disease, variant AB. Review status: criteria provided, single submitter. Criteria: ACMG Guidelines, 2015. Collection method: clinical testing. Allele origin: germline. Affected: yes.

Kariminejad - Najmabadi Pathology & Genetics Center
Classification: Pathogenic for Tay-Sachs disease. Review status: criteria provided, single submitter. Criteria: ACMG Guidelines, 2015. Collection method: clinical testing. Allele origin: germline. Affected: no.

Reproductive Health Research and Development, BGI Genomics
Classification: Pathogenic for Tay-Sachs disease. Last evaluated: 2020-01-06. Review status: no assertion criteria provided. Collection method: curation. Allele origin: germline. Not counted in ClinVar's aggregate classification.
Comment: NM_000520.4:c.1274_1277dupTATC in the HEXA gene has an allele frequency of 0.013 in Ashkenazi Jewish subpopulation in the gnomAD database. This variant is located at the 11th exon (14 exons in the NM_000520.4 transcript), therefore, it is predicted to lead nonsense-mediated mRNA decay. The c.1274_1277dupTATC (p.Tyr427Ilefs*5) variant has been reported multiple times and is determiend as the most common disease-causing variant in the Ashkenazi Jewis (PMID: 20672374). Taken together, we interprete this variant as Pathogenic/Likely pathogenic. ACMG/AMP criteria applied: PVS1; PS4; PP4

Centre de Biologie Pathologie Génétique, Centre Hospitalier Universitaire de Lille
Classification: Uncertain significance for Intellectual disability. Last evaluated: 2019-01-01. Review status: no assertion criteria provided. Collection method: clinical testing. Allele origin: unknown. Affected: yes. Not counted in ClinVar's aggregate classification.

Foundation for Research in Genetics and Endocrinology, FRIGE's Institute of Human Genetics
Classification: Pathogenic for Tay-Sachs disease. Last evaluated: 2014-09-11. Review status: no assertion criteria provided. Collection method: research. Allele origin: germline. Inheritance: Autosomal recessive inheritance. Affected: yes. Observed: 1 homozygote. Not counted in ClinVar's aggregate classification.

OMIM
Classification: Pathogenic for TAY-SACHS DISEASE. Last evaluated: 2004-03-01. Review status: no assertion criteria provided. Collection method: literature only. Allele origin: germline. Not counted in ClinVar's aggregate classification.

Clinical Genetics DNA and cytogenetics Diagnostics Lab, Erasmus MC, Erasmus Medical Center
Classification: Pathogenic. Review status: no assertion criteria provided. Collection method: clinical testing. Allele origin: germline. Affected: yes. Study: VKGL Data-share Consensus. Not counted in ClinVar's aggregate classification.